The following is an entry in ClinVar:

ClinVar aggregate classification (germline): Uncertain significance. Review status: criteria provided, multiple submitters, no conflicts (2 of 4 stars). 3 submissions from 3 submitters: Uncertain significance (3). Last evaluated 2024-08-02.

Conditions:
Emery-Dreifuss muscular dystrophy 4, autosomal dominant (EDMD4). Also called: EMERY-DREIFUSS MUSCULAR DYSTROPHY 4 WITH VARIABLE FEATURES. Identifiers: Orphanet 261, MedGen C2751807, MONDO:0013071, OMIM 612998.
Autosomal recessive ataxia, Beauce type. Also called: SYNE1-Related Autosomal Recessive Cerebellar Ataxia; Spinocerebellar ataxia, autosomal recessive 8; ATAXIA, RECESSIVE, OF BEAUCE; SYNE1 Deficiency. Identifiers: Orphanet 88644, MedGen C1853116, MONDO:0012549, OMIM 610743.

Allele frequency attached by ClinVar (database versions not stated): ExAC 0.00001; gnomAD exomes 0.00001 and 0.00002; gnomAD 0.00009; TOPMed 0.00009.
gnomAD v4.1: 40 of 1,613,972 alleles (0.0025%); highest among the groups gnomAD compares: African/African-American, 0.013%; no homozygotes.

Submissions (3):

Labcorp Genetics (formerly Invitae), Labcorp
Classification: Uncertain significance for Emery-Dreifuss muscular dystrophy 4, autosomal dominant; Autosomal recessive ataxia, Beauce type. Last evaluated: 2024-08-02. Review status: criteria provided, single submitter. Criteria: Invitae Variant Classification Sherloc (09022015). Collection method: clinical testing. Allele origin: germline.
Comment: This sequence change replaces arginine, which is basic and polar, with tryptophan, which is neutral and slightly polar, at codon 5016 of the SYNE1 protein (p.Arg5016Trp). This variant is present in population databases (rs767636254, gnomAD 0.008%). This variant has not been reported in the literature in individuals affected with SYNE1-related conditions. ClinVar contains an entry for this variant (Variation ID: 586712). An algorithm developed to predict the effect of missense changes on protein structure and function (PolyPhen-2) suggests that this variant is likely to be disruptive. In summary, the available evidence is currently insufficient to determine the role of this variant in disease. Therefore, it has been classified as a Variant of Uncertain Significance.

Athena Diagnostics
Classification: Uncertain significance. Last evaluated: 2020-03-24. Review status: criteria provided, single submitter. Criteria: Athena Diagnostics Criteria. Collection method: clinical testing. Allele origin: unknown.

Eurofins Ntd Llc (ga)
Classification: Uncertain significance. Last evaluated: 2017-11-17. Review status: criteria provided, single submitter. Criteria: EGL Classification Definitions 2015. Collection method: clinical testing. Allele origin: germline. Observed: 1 variant allele, 1 heterozygote.

NM_182961.4(SYNE1):c.15259C>T (p.Arg5087Trp)

Gene: SYNE1 (spectrin repeat containing nuclear envelope protein 1; minus strand). Cytogenetic location: 6q25.2.
Variant type: single nucleotide variant.
Coding change: c.15259C>T on transcript NM_182961.4 (MANE Select); coding-DNA position 15259, C replaced by T.
Protein change: p.Arg5087Trp; replaces arginine 5087 with tryptophan.
Molecular consequence: missense variant.
Genome position (GRCh38, 1-based): chr6:152,326,330, G>A on the plus strand (C>T on the coding strand, the complement: SYNE1 is on the minus strand). VCF-style: chr6-152326330-G-A. GRCh37 (hg19) VCF-style: chr6-152647465-G-A.
Other names: c.15046C>T, p.Arg5016Trp (NM_033071.5); short protein forms R5016W, R5087W.
Identifiers: ClinVar variation 586712 (VCV000586712.14), dbSNP rs767636254, ClinGen allele CA4055849.